The following is an entry in ClinVar:

ClinVar aggregate classification (germline): Pathogenic. Review status: criteria provided, multiple submitters, no conflicts (2 of 4 stars). 10 submissions from 10 submitters: Pathogenic (6). 4 of the submissions do not count toward it. Last evaluated 2025-08-20.

Conditions:
Ornithine carbamoyltransferase deficiency (OTCD). Also called: ORNITHINE TRANSCARBAMYLASE DEFICIENCY, HYPERAMMONEMIA DUE TO; OTC DEFICIENCY; ORNITHINE TRANSCARBAMYLASE DEFICIENCY; Ornithine Carbamoyltransferase Deficiency Disease. Identifiers: Orphanet 664, MedGen C0268542, MONDO:0010703, OMIM 311250.

Submissions (10):

Variantyx, Inc.
Classification: Pathogenic for Ornithine carbamoyltransferase deficiency. Last evaluated: 2025-08-20. Review status: criteria provided, single submitter. Criteria: Variantyx Assertion Criteria 2022. Collection method: clinical testing. Allele origin: maternal. Inheritance: X-linked inheritance. Affected: yes.
Comment: This is a nonsynonymous variant in the OTC gene (OMIM: 300461). Pathogenic variants in this gene have been associated with X-linked ornithine transcarbamylase deficiency. Multiple computational algorithms predict a deleterious effect for this variant (REVEL score: 0.932) (PP3). This variant has been reported in many unrelated affected individuals (PMID: 1721894, 9427144, 27070778, 30285816) (PS4_Very_Strong) and is absent from control populations (PM2). Based on the current evidence, this variant is classified as pathogenic for X-linked ornithine transcarbamylase deficiency.

Immunogenetics and Transplant Biology Service, University Hospital "Città della Salute e della Scienza di Torino"
Classification: Pathogenic for Ornithine carbamoyltransferase deficiency. Last evaluated: 2025-06-28. Review status: criteria provided, single submitter. Criteria: ACMG Guidelines, 2015. Collection method: clinical testing. Allele origin: germline. Affected: yes.

Labcorp Genetics (formerly Invitae), Labcorp
Classification: Pathogenic for Ornithine carbamoyltransferase deficiency. Last evaluated: 2024-10-07. Review status: criteria provided, single submitter. Criteria: Invitae Variant Classification Sherloc (09022015). Collection method: clinical testing. Allele origin: germline.
Comment: This sequence change replaces proline, which is neutral and non-polar, with leucine, which is neutral and non-polar, at codon 225 of the OTC protein (p.Pro225Leu). This variant is not present in population databases (gnomAD no frequency). This missense change has been observed in individuals with ornithine transcarbamylase (OTC) deficiency (PMID: 1721894, 9286441, 9427144, 27070778). It has also been observed to segregate with disease in related individuals. ClinVar contains an entry for this variant (Variation ID: 11000). Invitae Evidence Modeling of protein sequence and biophysical properties (such as structural, functional, and spatial information, amino acid conservation, physicochemical variation, residue mobility, and thermodynamic stability) indicates that this missense variant is expected to disrupt OTC protein function with a positive predictive value of 95%. This variant disrupts the p.Pro225 amino acid residue in OTC. Other variant(s) that disrupt this residue have been observed in individuals with OTC-related conditions (PMID: 9427144, 10946359, 19669271), which suggests that this may be a clinically significant amino acid residue. For these reasons, this variant has been classified as Pathogenic.

Genome-Nilou Lab
Classification: Pathogenic for Ornithine carbamoyltransferase deficiency. Last evaluated: 2021-11-07. Review status: criteria provided, single submitter. Criteria: ACMG Guidelines, 2015. Collection method: clinical testing. Allele origin: germline. Affected: no.

Women's Health and Genetics/Laboratory Corporation of America, LabCorp
Classification: Pathogenic for Ornithine carbamoyltransferase deficiency. Last evaluated: 2019-08-29. Review status: criteria provided, single submitter. Criteria: LabCorp Variant Classification Summary - May 2015. Collection method: clinical testing. Allele origin: germline.
Comment: Variant summary: OTC c.674C>T (p.Pro225Leu) results in a non-conservative amino acid change located in the Aspartate/ornithine carbamoyltransferase, Asp/Orn-binding domain (IPR006131) of the encoded protein sequence. Four of five in-silico tools predict a damaging effect of the variant on protein function. The variant was absent in 182904 control chromosomes (gnomAD). The variant, c.674C>T, has been reported in the literature in multiple individuals affected with Ornithine Transcarbamylase Deficiency (OTCD) (Hentzen_1991, Garcia-Perez_1997, Matsuda_1997, McCullough_2000, Bijarnia-Mahay_2018). Hentzen_1991 reported this variant to segregate with OTCD in one family. These data indicate that the variant is very likely to be associated with disease. Several publications also reported (near) undetectable residual enzyme activities from patient samples (Hentzen_1991, Garcia-Perez_1997, Matsuda_1997, McCullough_2000). Three clinical diagnostic laboratories have submitted clinical-significance assessments for this variant to ClinVar after 2014 without evidence for independent evaluation and classified the variant as likely pathogenic (1x) or pathogenic (2x). Based on the evidence outlined above, the variant was classified as pathogenic.

Eurofins Ntd Llc (ga)
Classification: Pathogenic. Last evaluated: 2015-11-03. Review status: criteria provided, single submitter. Criteria: EGL Classification Definitions 2015. Collection method: clinical testing. Allele origin: germline. Observed: 3 variant alleles, 2 heterozygotes, 1 homozygote.

Genomic Research Center, Shahid Beheshti University of Medical Sciences
Classification: Likely pathogenic for Ornithine carbamoyltransferase deficiency. Last evaluated: 2016-05-09. Review status: no assertion criteria provided. Collection method: clinical testing. Allele origin: inherited. Affected: no. Observed: 1 variant allele. Not counted in ClinVar's aggregate classification.

OMIM
Classification: Pathogenic for ORNITHINE TRANSCARBAMYLASE DEFICIENCY. Last evaluated: 1991-12-01. Review status: no assertion criteria provided. Collection method: literature only. Allele origin: germline. Not counted in ClinVar's aggregate classification.

GenMed Metabolism Lab
Classification: Pathogenic. Review status: no assertion criteria provided. Collection method: not provided. Allele origin: unknown. Not counted in ClinVar's aggregate classification.
Comment: p.Pro225Leu, Neonatal
ClinVar note: Converted during submission from pathogenic to Pathogenic.

Khatam Pathobiology and Genetic Lab
Classification: Pathogenic for Ornithine carbamoyltransferase deficiency. Review status: no assertion criteria provided. Collection method: clinical testing. Allele origin: germline. Inheritance: X-linked recessive inheritance. Affected: yes. Observed: 1 heterozygote. Not counted in ClinVar's aggregate classification.
Comment: Genetic testing revealed a novel de novo missense mutation in the OTC gene. Functional studies suggest a pathogenic effect, reducing enzyme activity. Family segregation analysis confirmed it as a pathogenic variant. Clinical findings and biochemical assays support this classification

Literature cited by the submitters: PubMed 1721894 (cited by 5 submitters); PubMed 9427144 (cited by 3 submitters); PubMed 27070778 (cited by Variantyx, Inc. and Labcorp Genetics (formerly Invitae), Labcorp); PubMed 30285816 (cited by Variantyx, Inc. and Women's Health and Genetics/Laboratory Corporation of America, LabCorp); PubMed 9286441 (cited by Labcorp Genetics (formerly Invitae), Labcorp and Women's Health and Genetics/Laboratory Corporation of America, LabCorp); PubMed 10946359 (cited by Labcorp Genetics (formerly Invitae), Labcorp and Women's Health and Genetics/Laboratory Corporation of America, LabCorp); PubMed 19669271 (cited by Labcorp Genetics (formerly Invitae), Labcorp); DOI 10.1515/jpem-2024-0315 (cited by Khatam Pathobiology and Genetic Lab).

NM_000531.6(OTC):c.674C>T (p.Pro225Leu)

Gene: OTC (ornithine transcarbamylase; plus strand). Cytogenetic location: Xp11.4.
Variant type: single nucleotide variant.
Coding change: c.674C>T on transcript NM_000531.6 (MANE Select); coding-DNA position 674, C replaced by T.
Protein change: p.Pro225Leu; replaces proline 225 with leucine.
Molecular consequence: missense variant.
Genome position (GRCh38, 1-based): chrX:38,408,752, C>T. VCF-style: chrX-38408752-C-T. GRCh37 (hg19) VCF-style: chrX-38268005-C-T.
Other names: short protein forms P225L.
Identifiers: ClinVar variation 11000 (VCV000011000.20), dbSNP rs67120076, ClinGen allele CA224741.